The following is an entry in ClinVar:

ClinVar aggregate classification (germline): Uncertain significance (1 of 4 stars; one submission).

Conditions:
Hereditary breast ovarian cancer syndrome. Also called: BRCA1- and BRCA2-Associated Hereditary Breast and Ovarian Cancer; Breast and ovarian cancer; Hereditary breast and ovarian cancer; Hereditary breast and ovarian cancer syndrome (HBOC); Hereditary breast and ovarian cancer syndrome; Hereditary breast and/or ovarian cancer syndrome. Identifiers: Orphanet 145, MedGen C0677776, MeSH D061325, MONDO:0003582. Disease mechanism: loss of function.

Submission:

Labcorp Genetics (formerly Invitae), Labcorp
Classification: Uncertain significance for Hereditary breast ovarian cancer syndrome. Last evaluated: 2024-05-26. Review status: criteria provided, single submitter. Criteria: Invitae Variant Classification Sherloc (09022015). Collection method: clinical testing. Allele origin: germline.
Comment: This sequence change replaces proline, which is neutral and non-polar, with arginine, which is basic and polar, at codon 1192 of the BRCA1 protein (p.Pro1192Arg). This variant is not present in population databases (gnomAD no frequency). This variant has not been reported in the literature in individuals affected with BRCA1-related conditions. Advanced modeling of protein sequence and biophysical properties (such as structural, functional, and spatial information, amino acid conservation, physicochemical variation, residue mobility, and thermodynamic stability) performed at Invitae indicates that this missense variant is not expected to disrupt BRCA1 protein function with a negative predictive value of 95%. In summary, the available evidence is currently insufficient to determine the role of this variant in disease. Therefore, it has been classified as a Variant of Uncertain Significance.

NM_007294.4(BRCA1):c.3575C>G (p.Pro1192Arg)

Genes: BRCA1 (BRCA1 DNA repair associated; minus strand), LOC126862571 (BRD4-independent group 4 enhancer GRCh37_chr17:41243136-41244335; plus strand). Cytogenetic location: 17q21.31.
Variant type: single nucleotide variant.
Coding change: c.3575C>G on transcript NM_007294.4 (MANE Select); coding-DNA position 3575, C replaced by G.
Protein change: p.Pro1192Arg; replaces proline 1192 with arginine.
Molecular consequence: missense variant. On other transcripts: intron variant (135).
Genome position (GRCh38, 1-based): chr17:43,091,956, G>C on the plus strand (C>G on the coding strand, the complement: BRCA1 is on the minus strand). VCF-style: chr17-43091956-G-C. GRCh37 (hg19) VCF-style: chr17-41243973-G-C.
Other names: c.3365C>G, p.Pro1122Arg (NM_001407885.1, NM_001407886.1, NM_001407887.1 and 13 more transcripts); c.3362C>G, p.Pro1121Arg (NM_001407894.1, NM_001407895.1, NM_001407896.1 and 9 more transcripts); c.3452C>G, p.Pro1151Arg (NM_001407919.1, NM_001407937.1, NM_001407938.1 and 19 more transcripts); c.3311C>G, p.Pro1104Arg (NM_001407920.1, NM_001407921.1, NM_001407922.1 and 9 more transcripts); c.3308C>G, p.Pro1103Arg (NM_001407930.1, NM_001407931.1, NM_001407932.1 and 2 more transcripts); c.3449C>G, p.Pro1150Arg (NM_001407940.1, NM_001407941.1, NM_001407649.1 and 11 more transcripts); c.3434C>G, p.Pro1145Arg (NM_001407942.1, NM_001407944.1, NM_001407945.1 and 29 more transcripts); c.3431C>G, p.Pro1144Arg (NM_001407943.1, NM_001407964.1, NM_001407740.1 and 20 more transcripts); and 41 more; short protein forms P1125R, P1144R, P1104R, P1121R, P1151R, P1165R, P1166R, P1189R.
Identifiers: ClinVar variation 3691954 (VCV003691954.2).